The following is an entry in ClinVar:

NM_001111125.3(IQSEC2):c.2519T>C (p.Phe840Ser)

Gene: IQSEC2 (IQ motif and Sec7 domain ArfGEF 2; minus strand). Cytogenetic location: Xp11.22.
Variant type: single nucleotide variant.
Coding change: c.2519T>C on transcript NM_001111125.3 (MANE Select); coding-DNA position 2519, T replaced by C.
Protein change: p.Phe840Ser; replaces phenylalanine 840 with serine.
Molecular consequence: missense variant.
Genome position (GRCh38, 1-based): chrX:53,248,177, A>G on the plus strand (T>C on the coding strand, the complement: IQSEC2 is on the minus strand). VCF-style: chrX-53248177-A-G. GRCh37 (hg19) VCF-style: chrX-53277359-A-G.
Other names: c.1904T>C, p.Phe635Ser (NM_015075.2); short protein forms F635S, F840S.
Identifiers: ClinVar variation 982678 (VCV000982678.2), dbSNP rs2074335877, ClinGen allele CA413157113.

ClinVar aggregate classification (germline): Likely pathogenic (1 of 4 stars; one submission).

Conditions:
Intellectual developmental disorder, X-linked 1. Also called: Atkin Flaitz Patil Smith syndrome; MENTAL RETARDATION, X-LINKED 18; MENTAL RETARDATION, X-LINKED 78; Intellectual disability, X-linked 1. Identifiers: Orphanet 777, MedGen C2931498, MONDO:0010656, OMIM 309530.

Submission:

Institute of Human Genetics, University of Leipzig Medical Center
Classification: Likely pathogenic for Intellectual developmental disorder, X-linked 1. Last evaluated: 2020-10-23. Review status: criteria provided, single submitter. Criteria: ACMG Guidelines, 2015. Collection method: clinical testing. Allele origin: de novo. Affected: yes.
Comment: This variant was identified as de novo (maternity confirmed).